The following is an entry in ClinVar:

ClinVar aggregate classification (germline): Likely benign (1 of 4 stars; one submission).

Conditions:
Hereditary breast ovarian cancer syndrome. Also called: Hereditary breast and ovarian cancer; Hereditary breast and ovarian cancer syndrome (HBOC); Breast and ovarian cancer; Hereditary breast and/or ovarian cancer syndrome; BRCA1- and BRCA2-Associated Hereditary Breast and Ovarian Cancer; Hereditary breast and ovarian cancer syndrome. Identifiers: Orphanet 145, MedGen C0677776, MeSH D061325, MONDO:0003582. Disease mechanism: loss of function.

Allele frequency attached by ClinVar (database versions not stated): gnomAD exomes below 0.00001; ExAC 0.00001; TOPMed 0.00001.
gnomAD v4.1: 1 of 1,562,554 alleles (0.000064%); highest among the groups gnomAD compares: South Asian, 0.0011%; no homozygotes.

Submissions (2):

Labcorp Genetics (formerly Invitae), Labcorp
Classification: Likely benign for Hereditary breast ovarian cancer syndrome. Last evaluated: 2021-09-23. Review status: criteria provided, single submitter. Criteria: Invitae Variant Classification Sherloc (09022015). Collection method: clinical testing. Allele origin: germline.

Brotman Baty Institute, University of Washington
No classification provided (evidence only). Condition: Breast-ovarian cancer, familial 1. Review status: no classification provided. Collection method: in vitro. Allele origin: not applicable. Functional consequence: functionally_normal. Not counted in ClinVar's aggregate classification.
ClinVar note: "not provided" was previously submitted as the classification for the variant. However, the classification appeared to be based only on an observation of functional data so it was converted to no classification on 2025-07-30.

NM_007294.4(BRCA1):c.212+7A>G

Gene: BRCA1 (BRCA1 DNA repair associated; minus strand). Cytogenetic location: 17q21.31.
Variant type: single nucleotide variant.
Coding change: c.212+7A>G on transcript NM_007294.4 (MANE Select); 7 bases into the intron after coding-DNA position 212, A replaced by G.
Molecular consequence: intron variant.
Genome position (GRCh38, 1-based): chr17:43,106,449, T>C on the plus strand (A>G on the coding strand, the complement: BRCA1 is on the minus strand). VCF-style: chr17-43106449-T-C. GRCh37 (hg19) VCF-style: chr17-41258466-T-C.
Other names: c.71+7A>G (NM_001407929.1, NM_001407924.1, NM_001408460.1 and 99 more transcripts); c.135-1493A>G (NM_001408413.1, NM_001407660.1, NM_001407661.1 and 21 more transcripts); c.2+29A>G (NM_001407958.1, NM_001407955.1, NM_001408493.1 and 58 more transcripts); c.212+7A>G (NM_001407646.1, NM_001408445.1, NM_001408432.1 and 167 more transcripts); c.-169-1493A>G (NM_001407965.1, NM_001407959.1, NM_001407962.1 and 4 more transcripts); c.-218-11589A>G (NM_001407967.1, NM_001407966.1); c.81-1493A>G (NM_001408451.1).
Identifiers: ClinVar variation 868795 (VCV000868795.12), dbSNP rs762526216, ClinGen allele CA055311.
Genomic context (GRCh38, chr17:43,106,449, plus strand): 5'-ATTAAATAATTTCTACTTTTTCCTACTGTGGTTGCTTCCAACCTAGCATCATTACCAAAT[T>C]ATATACCTTTTGGTTATATCATTCTTACATAAAGGACACTGTGAAGGCCCTTTCTTCTGG-3'